The following is an entry in ClinVar:

NM_001165963.4(SCN1A):c.4931G>A (p.Gly1644Asp)

Genes: SCN1A (sodium voltage-gated channel alpha subunit 1; minus strand), LOC102724058 (uncharacterized LOC102724058; plus strand). Cytogenetic location: 2q24.3.
Variant type: single nucleotide variant.
Coding change: c.4931G>A on transcript NM_001165963.4 (MANE Select); coding-DNA position 4931, G replaced by A.
Protein change: p.Gly1644Asp; replaces glycine 1644 with aspartic acid.
Molecular consequence: missense variant. On other transcripts: non-coding transcript variant (1).
Genome position (GRCh38, 1-based): chr2:165,992,344, C>T on the plus strand (G>A on the coding strand, the complement: SCN1A is on the minus strand). VCF-style: chr2-165992344-C-T. GRCh37 (hg19) VCF-style: chr2-166848854-C-T.
Other names: p.G1644D:GGC>GAC; c.4847G>A, p.Gly1616Asp (NM_001165964.3, NM_001353957.2, NM_001353958.2); c.4931G>A, p.Gly1644Asp (NM_001202435.3, NM_001353948.2); c.4898G>A, p.Gly1633Asp (NM_001353949.2, NM_001353950.2, NM_001353951.2 and 2 more transcripts); c.4895G>A, p.Gly1632Asp (NM_001353954.2, NM_001353955.2); c.4844G>A, p.Gly1615Asp (NM_001353960.2); c.2489G>A, p.Gly830Asp (NM_001353961.2); short protein forms G1633D, G1644D, G1615D, G1616D, G1632D, G830D.
Identifiers: ClinVar variation 206853 (VCV000206853.36), dbSNP rs796053030, ClinGen allele CA317557.
Genomic context (GRCh38, chr2:165,992,344, plus strand): 5'-ATCAAAGCAAAGAGCAGCGTGCGGATCCCCTTTGCTCCTTTGATCAGACGTAGGATTCGG[C>T]CAATCCTAGCAAGACGGATCACTCGGAACAGGGTAGGGGACACGAAATACTTTTCTATCA-3'
Protein context (NP_001159435.1, residues 1634-1654): LFRVIRLARI[Gly1644Asp]RILRLIKGAK

ClinVar aggregate classification (germline): Pathogenic/Likely pathogenic. Review status: criteria provided, multiple submitters, no conflicts (2 of 4 stars). 4 submissions from 4 submitters: Pathogenic (2); Likely pathogenic (2). Last evaluated 2026-01-26.

Conditions:
Severe myoclonic epilepsy in infancy (DRVT). Also called: Epileptic encephalopathy, early infantile, 6 (Dravet syndrome); DEVELOPMENTAL AND EPILEPTIC ENCEPHALOPATHY 6A; Severe Myoclonic Epilepsy in Infancy (SMEI); SEVERE MYOCLONIC EPILEPSY OF INFANCY; Dravet syndrome. Identifiers: Orphanet 33069, MedGen C0751122, MONDO:0100135, OMIM 607208.

Submissions (4):

Medical and Scientific Branch, Hong Kong Genome Institute
Classification: Likely pathogenic for Severe myoclonic epilepsy in infancy. Last evaluated: 2026-01-26. Review status: criteria provided, single submitter. Criteria: ACMG Guidelines, 2015. Collection method: clinical testing. Allele origin: de novo. Affected: yes.

3billion
Classification: Likely pathogenic for Severe myoclonic epilepsy in infancy. Last evaluated: 2025-06-18. Review status: criteria provided, single submitter. Criteria: ACMG Guidelines, 2015. Collection method: clinical testing. Allele origin: germline. Affected: yes.
Comment: The variant is not observed in the gnomAD v4.1.0 dataset. Predicted Consequence/Location: Missense variant In silico tool predictions suggest damaging effect of the variant on gene or gene product [REVEL: 0.97 (>=0.6, sensitivity 0.68 and specificity 0.92); 3Cnet: 1.00 (> 0.75, sensitivity 0.96 and precision 0.92)]. The same nucleotide change resulting in the same amino acid change has been previously reported as pathogenic/likely pathogenic with strong evidence (ClinVar ID: VCV000206853 /PMID: 29655203). Therefore, this variant is classified as Likely pathogenic according to the recommendation of ACMG/AMP guideline.

CeGaT Center for Human Genetics Tuebingen
Classification: Pathogenic. Last evaluated: 2022-03-01. Review status: criteria provided, single submitter. Criteria: CeGaT Center For Human Genetics Tuebingen Variant Classification Criteria Version 2. Collection method: clinical testing. Allele origin: germline. Affected: yes. Observed: 1 variant allele.

GeneDx
Classification: Pathogenic. Last evaluated: 2013-09-18. Review status: criteria provided, single submitter. Criteria: GeneDx Variant Classification (06012015). Collection method: clinical testing. Allele origin: germline. Affected: yes.
Comment: p.Gly1644Asp (GGC>GAC): c.4931 G>A in exon 26 of the SCN1A gene (NM_001165963.1) The Gly1644Asp missense change has not been published as a mutation, nor has it been reported as a benign polymorphism to our knowledge. It was not observed in approximately 6,000 individuals of European and African American ancestry in the NHLBI Exome Sequencing Project, indicating it is not a common benign variant in these populations. This variant is a non-conservative amino acid substitution of an uncharged, non-polar Glycine residue with a negatively charged, polar residue, and in silico analysis predicts this variant is probably damaging to the protein structure/function. The variant alters a highly conserved position in the S4 segment of the forth transmembrane domain, and a missense mutation in the adjacent amino acid (R1645Q) has been previously reported in association with Dravet syndrome (also called severe myoclonic epilepsy of infancy or SMEI) (Berkovic et al., 2006; Bolszak et al., 2009). This variant has been observed de novo with confirmed parentage. The variant is found in INFANT-EPI panel(s).

Literature cited by the submitters: PubMed 29655203 (cited by 3billion).